The following is an entry in ClinVar:

ClinVar aggregate classification (germline): Benign/Likely benign. Review status: criteria provided, multiple submitters, no conflicts (2 of 4 stars). 5 submissions from 5 submitters: Benign (1); Likely benign (1). 3 of the submissions do not count toward it. Last evaluated 2026-01-28.

Conditions:
Tay-Sachs disease (TSD). Also called: HEXA Disorders; HEXA DEFICIENCY; Hexosaminidase A Deficiency; GM2 gangliosidosis, type 1; Hexosaminidase alpha-subunit deficiency (variant B); Sphingolipidosis, Tay-Sachs. Identifiers: Orphanet 845, MedGen C0039373, MONDO:0010100, OMIM 272800.
HEXA-related disorder. Also called: HEXA-related condition.

Allele frequency attached by ClinVar (database versions not stated): gnomAD exomes 0.00043; ExAC 0.00050; 1000 Genomes Project 30x 0.00156; gnomAD 0.00158 and 0.00167; 1000 Genomes Project 0.00160; TOPMed 0.00165; ESP Exome Variant Server 0.00200.
gnomAD v4.1: 484 of 1,613,310 alleles (0.03%); highest among the groups gnomAD compares: African/African-American, 0.55%; 2 homozygotes.

Submissions (5):

Labcorp Genetics (formerly Invitae), Labcorp
Classification: Benign for Tay-Sachs disease. Last evaluated: 2026-01-28. Review status: criteria provided, single submitter. Criteria: Invitae Variant Classification Sherloc (09022015). Collection method: clinical testing. Allele origin: germline.

Mayo Clinic Laboratories, Mayo Clinic
Classification: Likely benign. Last evaluated: 2025-10-09. Review status: criteria provided, single submitter. Criteria: ACMG Guidelines, 2015. Collection method: clinical testing. Allele origin: germline. Observed: 2 variant alleles.
Comment: BS1, BP4, BP7

Natera, Inc.
Classification: Benign for Tay-Sachs disease. Last evaluated: 2020-04-23. Review status: no assertion criteria provided. Collection method: clinical testing. Allele origin: germline. Not counted in ClinVar's aggregate classification.

PreventionGenetics, part of Exact Sciences
Classification: Likely benign for HEXA-related condition. Last evaluated: 2019-05-01. Review status: no assertion criteria provided. Collection method: clinical testing. Allele origin: germline. Not counted in ClinVar's aggregate classification.
Comment: This variant is classified as likely benign based on ACMG/AMP sequence variant interpretation guidelines (Richards et al. 2015 PMID: 25741868, with internal and published modifications).

Counsyl
Classification: Likely benign for Tay-Sachs disease. Last evaluated: 2017-11-17. Review status: no assertion criteria provided. Collection method: clinical testing. Allele origin: unknown. Not counted in ClinVar's aggregate classification.

NM_000520.6(HEXA):c.1146+8G>A

Gene: HEXA (hexosaminidase subunit alpha; minus strand). Cytogenetic location: 15q23.
Variant type: single nucleotide variant.
Coding change: c.1146+8G>A on transcript NM_000520.6 (MANE Select); 8 bases into the intron after coding-DNA position 1146, G replaced by A.
Molecular consequence: intron variant.
Genome position (GRCh38, 1-based): chr15:72,347,678, C>T on the plus strand (G>A on the coding strand, the complement: HEXA is on the minus strand). VCF-style: chr15-72347678-C-T. GRCh37 (hg19) VCF-style: chr15-72640019-C-T.
Other names: p.?; c.1179+8G>A (NM_001318825.2); c.1146+8G>A (NM_000520.5).
Identifiers: ClinVar variation 555127 (VCV000555127.17), dbSNP rs201453018, ClinGen allele CA7644786.